The following is an entry in ClinVar:

NM_000038.6(APC):c.5779C>T (p.Leu1927Phe)

Gene: APC (APC regulator of Wnt signaling pathway; plus strand). Cytogenetic location: 5q22.2.
Variant type: single nucleotide variant.
Coding change: c.5779C>T on transcript NM_000038.6 (MANE Select); coding-DNA position 5779, C replaced by T.
Protein change: p.Leu1927Phe; replaces leucine 1927 with phenylalanine.
Molecular consequence: missense variant.
Genome position (GRCh38, 1-based): chr5:112,841,373, C>T. VCF-style: chr5-112841373-C-T. GRCh37 (hg19) VCF-style: chr5-112177070-C-T.
Other names: c.5779C>T, p.Leu1927Phe (NM_001127510.3, NM_001354895.2); c.5725C>T, p.Leu1909Phe (NM_001127511.3); c.5833C>T, p.Leu1945Phe (NM_001354896.2); c.5809C>T, p.Leu1937Phe (NM_001354897.2); c.5704C>T, p.Leu1902Phe (NM_001354898.2); c.5695C>T, p.Leu1899Phe (NM_001354899.2); c.5656C>T, p.Leu1886Phe (NM_001354900.2); c.5602C>T, p.Leu1868Phe (NM_001354901.2); and 5 more; short protein forms L1909F, L1927F, L1644F, L1826F, L1836F, L1868F, L1902F, L1937F.
Identifiers: ClinVar variation 487057 (VCV000487057.14), dbSNP rs730881253, ClinGen allele CA16033976.

ClinVar aggregate classification (germline): Uncertain significance. Review status: criteria provided, multiple submitters, no conflicts (2 of 4 stars). 3 submissions from 3 submitters: Uncertain significance (3). Last evaluated 2022-12-16.

Conditions:
Hereditary cancer-predisposing syndrome. Also called: Tumor predisposition; Hereditary Cancer Syndrome; Hereditary neoplastic syndrome; Neoplastic Syndromes, Hereditary. Identifiers: Orphanet 140162, MedGen C0027672, MeSH D009386, MONDO:0015356.
Familial adenomatous polyposis 1 (FAP1). Also called: FAMILIAL ADENOMATOUS POLYPOSIS 1, ATTENUATED; POLYPOSIS, ADENOMATOUS INTESTINAL. Identifiers: MedGen C2713442, MONDO:0021056, OMIM 175100. Disease mechanism: loss of function.

Allele frequency attached by ClinVar (database versions not stated): gnomAD exomes below 0.00001.
gnomAD v4.1: 1 of 1,613,610 alleles (0.000062%); highest among the groups gnomAD compares: Non-Finnish European, 0.000085%; no homozygotes.

Submissions (3):

Ambry Genetics
Classification: Uncertain significance for Hereditary cancer-predisposing syndrome. Last evaluated: 2022-12-16. Review status: criteria provided, single submitter. Criteria: Ambry Variant Classification Scheme 2023. Collection method: clinical testing. Allele origin: germline.
Comment: The p.L1927F variant (also known as c.5779C>T), located in coding exon 15 of the APC gene, results from a C to T substitution at nucleotide position 5779. The leucine at codon 1927 is replaced by phenylalanine, an amino acid with highly similar properties. This amino acid position is well conserved in available vertebrate species. In addition, in silico predictors for this gene do not accurately predict pathogenicity. Since supporting evidence is limited at this time, the clinical significance of this alteration remains unclear.

Labcorp Genetics (formerly Invitae), Labcorp
Classification: Uncertain significance for Familial adenomatous polyposis 1. Last evaluated: 2022-06-09. Review status: criteria provided, single submitter. Criteria: Invitae Variant Classification Sherloc (09022015). Collection method: clinical testing. Allele origin: germline.
Comment: This variant has not been reported in the literature in individuals affected with APC-related conditions. In summary, the available evidence is currently insufficient to determine the role of this variant in disease. Therefore, it has been classified as a Variant of Uncertain Significance. Algorithms developed to predict the effect of missense changes on protein structure and function are either unavailable or do not agree on the potential impact of this missense change (SIFT: "Deleterious"; PolyPhen-2: "Benign"; Align-GVGD: "Class C0"). ClinVar contains an entry for this variant (Variation ID: 487057). This variant is not present in population databases (gnomAD no frequency). This sequence change replaces leucine, which is neutral and non-polar, with phenylalanine, which is neutral and non-polar, at codon 1927 of the APC protein (p.Leu1927Phe).

Color Diagnostics, LLC DBA Color Health
Classification: Uncertain significance for Hereditary cancer-predisposing syndrome. Last evaluated: 2019-03-25. Review status: criteria provided, single submitter. Criteria: ACMG Guidelines, 2015. Collection method: clinical testing. Allele origin: germline.